The following is an entry in ClinVar:

ClinVar aggregate classification (germline): Likely benign (1 of 4 stars; one submission).

Submission:

CeGaT Center for Human Genetics Tuebingen
Classification: Likely benign. Last evaluated: 2025-06-01. Review status: criteria provided, single submitter. Criteria: CeGaT Center For Human Genetics Tuebingen Variant Classification Criteria Version 2. Collection method: clinical testing. Allele origin: germline. Affected: yes. Observed: 1 variant allele.
Comment: YWHAG: PM2:Supporting, BP4, BP7

NM_012479.4(YWHAG):c.168C>T (p.Arg56=)

Gene: YWHAG (tyrosine 3-monooxygenase/tryptophan 5-monooxygenase activation protein gamma; minus strand). Cytogenetic location: 7q11.23.
Variant type: single nucleotide variant.
Coding change: c.168C>T on transcript NM_012479.4 (MANE Select); coding-DNA position 168, C replaced by T.
Protein change: p.Arg56=; no amino-acid change (arginine 56 retained).
Molecular consequence: synonymous variant.
Genome position (GRCh38, 1-based): chr7:76,330,153, G>A on the plus strand (C>T on the coding strand, the complement: YWHAG is on the minus strand). VCF-style: chr7-76330153-G-A. GRCh37 (hg19) VCF-style: chr7-75959470-G-A.
Identifiers: ClinVar variation 4085149 (VCV004085149.8).